The following is an entry in ClinVar:

NM_001267550.2(TTN):c.65576-1G>C

Genes: TTN (titin; minus strand), TTN-AS1 (TTN antisense RNA 1; plus strand). Cytogenetic location: 2q31.2.
Variant type: single nucleotide variant.
Coding change: c.65576-1G>C on transcript NM_001267550.2 (MANE Select); the canonical splice acceptor site of the intron before coding-DNA position 65576, G replaced by C.
Molecular consequence: splice acceptor variant.
Genome position (GRCh38, 1-based): chr2:178,583,228, C>G on the plus strand (G>C on the coding strand, the complement: TTN is on the minus strand). VCF-style: chr2-178583228-C-G. GRCh37 (hg19) VCF-style: chr2-179447955-C-G.
Other names: c.38381-1G>C (NM_003319.4); c.38957-1G>C (NM_133437.4); c.38756-1G>C (NM_133432.3); c.57872-1G>C (NM_133378.4); c.60653-1G>C (NM_001256850.1).
Identifiers: ClinVar variation 4879330 (VCV004879330.1).

ClinVar aggregate classification (germline): Likely pathogenic (1 of 4 stars; one submission).

Conditions:
Early-onset myopathy with fatal cardiomyopathy (CMYO5). Also called: Salih Myopathy; CONGENITAL MYOPATHY 5 WITH CARDIOMYOPATHY. Identifiers: Orphanet 289377, MedGen C2673677, MONDO:0012714, OMIM 611705. Disease mechanism: loss of function.

Submission:

Department of Molecular Genetics, Istishari Arab Hospital
Classification: Likely pathogenic for Early-onset myopathy with fatal cardiomyopathy. Last evaluated: 2026-07-19. Review status: criteria provided, single submitter. Criteria: ACMG Guidelines, 2015. Collection method: clinical testing. Allele origin: germline. Inheritance: Autosomal recessive inheritance. Affected: yes.
Comment: The TTN c.65576-1G>C variant affects the invariant acceptor splice site and is predicted to abolish normal RNA splicing (SpliceAI score: 1.00). The variant is absent from population databases and has not been reported previously in the literature. It is classified as likely pathogenic based on ACMG/AMP/ClinGen SVI guidelines.